The following is an entry in ClinVar:

Conditions:
Breast-ovarian cancer, familial, susceptibility to, 1 (BROVCA1). Also called: BRCA1 Hereditary Breast and Ovarian Cancer; OVARIAN CANCER, SUSCEPTIBILITY TO. Identifiers: Orphanet 145, MedGen C2676676, MONDO:0011450, OMIM 604370. Disease mechanism: loss of function.

Submission:

Brotman Baty Institute, University of Washington
No classification provided (evidence only). Condition: Breast-ovarian cancer, familial 1. Review status: no classification provided. Collection method: in vitro. Allele origin: not applicable. Functional consequence: functionally_normal.
ClinVar note: "not provided" was previously submitted as the classification for the variant. However, the classification appeared to be based only on an observation of functional data so it was converted to no classification on 2025-07-30.

NM_007294.4(BRCA1):c.5033A>C (p.Asn1678Thr)

Gene: BRCA1 (BRCA1 DNA repair associated; minus strand). Cytogenetic location: 17q21.31.
Variant type: single nucleotide variant.
Coding change: c.5033A>C on transcript NM_007294.4 (MANE Select); coding-DNA position 5033, A replaced by C.
Protein change: p.Asn1678Thr; replaces asparagine 1678 with threonine.
Molecular consequence: missense variant. On other transcripts: non-coding transcript variant (1).
Genome position (GRCh38, 1-based): chr17:43,067,649, T>G on the plus strand (A>C on the coding strand, the complement: BRCA1 is on the minus strand). VCF-style: chr17-43067649-T-G. GRCh37 (hg19) VCF-style: chr17-41219666-T-G.
Other names: c.4820A>C, p.Asn1607Thr (NM_001407571.1, NM_001407896.1, NM_001407897.1 and 12 more transcripts); c.5099A>C, p.Asn1700Thr (NM_001407581.1, NM_001407582.1); c.5096A>C, p.Asn1699Thr (NM_001407583.1, NM_001407585.1, NM_001407587.1 and 1 more transcripts); c.5093A>C, p.Asn1698Thr (NM_001407590.1, NM_001407591.1); c.5033A>C, p.Asn1678Thr (NM_001407593.1, NM_001407594.1, NM_001407596.1 and 8 more transcripts); c.5030A>C, p.Asn1677Thr (NM_001407610.1, NM_001407611.1, NM_001407612.1 and 17 more transcripts); c.5027A>C, p.Asn1676Thr (NM_001407627.1, NM_001407628.1, NM_001407629.1 and 14 more transcripts); c.5024A>C, p.Asn1675Thr (NM_001407645.1, NM_001407644.1); and 70 more; short protein forms N1631T, N1678T, N1699T, N574T, N1381T, N1550T, N1608T, N1609T.
Identifiers: ClinVar variation 865555 (VCV000865555.3), dbSNP rs2052173415, ClinGen allele CA10591451.